The following is an entry in ClinVar:

ClinVar aggregate classification (germline): Pathogenic. Review status: criteria provided, multiple submitters, no conflicts (2 of 4 stars). 4 submissions from 4 submitters: Pathogenic (4). Last evaluated 2025-09-16.

Conditions:
Hereditary cancer-predisposing syndrome. Also called: Tumor predisposition; Hereditary Cancer Syndrome; Hereditary neoplastic syndrome; Neoplastic Syndromes, Hereditary. Identifiers: Orphanet 140162, MedGen C0027672, MeSH D009386, MONDO:0015356.
Familial cancer of breast. Also called: hereditary breast carcinoma; BREAST CANCER, FAMILIAL; Hereditary breast cancer. Identifiers: Orphanet 227535, MedGen C0346153, MONDO:0016419, OMIM 114480. Disease mechanism: loss of function.

Allele frequency attached by ClinVar (database versions not stated): gnomAD exomes below 0.00001; TOPMed below 0.00001.
gnomAD v4.1: 11 of 1,614,154 alleles (0.00068%); highest among the groups gnomAD compares: Non-Finnish European, 0.00093%; no homozygotes.

Submissions (4):

Labcorp Genetics (formerly Invitae), Labcorp
Classification: Pathogenic for Familial cancer of breast. Last evaluated: 2025-09-16. Review status: criteria provided, single submitter. Criteria: Invitae Variant Classification Sherloc (09022015). Collection method: clinical testing. Allele origin: germline.
Comment: This sequence change creates a premature translational stop signal (p.Lys177*) in the CHEK2 gene. It is expected to result in an absent or disrupted protein product. Loss-of-function variants in CHEK2 are known to be pathogenic (PMID: 21876083, 24713400). This variant is present in population databases (rs796389290, gnomAD 0.0009%). This premature translational stop signal has been observed in individual(s) with breast cancer (PMID: 22527104). This variant is also known as c.658T>A (p.K220*). ClinVar contains an entry for this variant (Variation ID: 485522). Studies have shown that this premature translational stop signal is associated with inconclusive levels of altered splicing (internal data). For these reasons, this variant has been classified as Pathogenic.

Myriad Genetics, Inc.
Classification: Pathogenic for Familial cancer of breast. Last evaluated: 2023-06-26. Review status: criteria provided, single submitter. Criteria: Myriad Autosomal Dominant, Autosomal Recessive and X-Linked Classification Criteria (2023). Collection method: clinical testing. Allele origin: unknown.
Comment: This variant is considered pathogenic. This variant creates a termination codon and is predicted to result in premature protein truncation.

Color Diagnostics, LLC DBA Color Health
Classification: Pathogenic for Hereditary cancer-predisposing syndrome. Last evaluated: 2020-01-15. Review status: criteria provided, single submitter. Criteria: ACMG Guidelines, 2015. Collection method: clinical testing. Allele origin: germline.
Comment: This variant changes 1 nucleotide in exon 4 of the CHEK2 gene, creating a premature translation stop signal. This variant is expected to result in an absent or non-functional protein product. This variant has been identified in 1/251420 chromosomes in the general population by the Genome Aggregation Database (gnomAD). Loss of CHEK2 function is a known mechanism of disease. Based on the available evidence, this variant is classified as Pathogenic.

Ambry Genetics
Classification: Pathogenic for Hereditary cancer-predisposing syndrome. Last evaluated: 2017-03-10. Review status: criteria provided, single submitter. Criteria: Ambry Variant Classification Scheme 2023. Collection method: clinical testing. Allele origin: germline.
Comment: The p.K177* pathogenic mutation (also known as c.529A>T), located in coding exon 3 of the CHEK2 gene, results from an A to T substitution at nucleotide position 529. This changes the amino acid from a lysine to a stop codon within coding exon 3. This alteration is expected to result in loss of function by premature protein truncation or nonsense-mediated mRNA decay. As such, this alteration is interpreted as a disease-causing mutation.

Literature cited by the submitters: PubMed 21876083 (cited by Labcorp Genetics (formerly Invitae), Labcorp); PubMed 24713400 (cited by Labcorp Genetics (formerly Invitae), Labcorp); PubMed 22527104 (cited by Labcorp Genetics (formerly Invitae), Labcorp).

NM_007194.4(CHEK2):c.529A>T (p.Lys177Ter)

Gene: CHEK2 (checkpoint kinase 2; minus strand). Cytogenetic location: 22q12.1.
Variant type: single nucleotide variant.
Coding change: c.529A>T on transcript NM_007194.4 (MANE Select); coding-DNA position 529, A replaced by T.
Protein change: p.Lys177Ter; replaces lysine 177 with a stop codon.
Molecular consequence: nonsense. On other transcripts: 5 prime UTR variant (2), intron variant (1).
Genome position (GRCh38, 1-based): chr22:28,725,040, T>A on the plus strand (A>T on the coding strand, the complement: CHEK2 is on the minus strand). VCF-style: chr22-28725040-T-A. GRCh37 (hg19) VCF-style: chr22-29121028-T-A.
Other names: c.658A>T, p.Lys220Ter (NM_001005735.3, NM_001438294.1); c.-249A>T (NM_001257387.3); c.-135A>T (NM_001437942.1); c.622A>T, p.Lys208Ter (NM_001438293.1, NM_001438295.1); c.529A>T, p.Lys177Ter (NM_145862.3); c.445-117A>T (NM_001349956.3); short protein forms K177*, K220*, K208*.
Identifiers: ClinVar variation 485522 (VCV000485522.16), dbSNP rs796389290, ClinGen allele CA323033023.